The following is an entry in ClinVar:

ClinVar aggregate classification (germline): Uncertain significance. Review status: criteria provided, multiple submitters, no conflicts (2 of 4 stars). 3 submissions from 3 submitters: Uncertain significance (3). Last evaluated 2024-03-27.

Conditions:
Hereditary cancer-predisposing syndrome. Also called: Hereditary Cancer Syndrome; Hereditary neoplastic syndrome; Neoplastic Syndromes, Hereditary; Tumor predisposition. Identifiers: Orphanet 140162, MedGen C0027672, MeSH D009386, MONDO:0015356.
Hereditary breast ovarian cancer syndrome. Also called: Hereditary breast and ovarian cancer syndrome; Hereditary breast and ovarian cancer syndrome (HBOC); Breast and ovarian cancer; Hereditary breast and ovarian cancer; Hereditary breast and/or ovarian cancer syndrome; BRCA1- and BRCA2-Associated Hereditary Breast and Ovarian Cancer. Identifiers: Orphanet 145, MedGen C0677776, MeSH D061325, MONDO:0003582. Disease mechanism: loss of function.

Allele frequency attached by ClinVar (database versions not stated): gnomAD exomes below 0.00001.
gnomAD v4.1: 1 of 1,614,252 alleles (0.000062%); highest among the groups gnomAD compares: Non-Finnish European, 0.000085%; no homozygotes.

Submissions (3):

Ambry Genetics
Classification: Uncertain significance for Hereditary cancer-predisposing syndrome. Last evaluated: 2024-03-27. Review status: criteria provided, single submitter. Criteria: Ambry Variant Classification Scheme 2023. Collection method: clinical testing. Allele origin: germline.
Comment: The p.Y2511H variant (also known as c.7531T>C), located in coding exon 14 of the BRCA2 gene, results from a T to C substitution at nucleotide position 7531. The tyrosine at codon 2511 is replaced by histidine, an amino acid with similar properties. This amino acid position is well conserved in available vertebrate species. In addition, the in silico prediction for this alteration is inconclusive. Based on the available evidence, the clinical significance of this alteration remains unclear.

Labcorp Genetics (formerly Invitae), Labcorp
Classification: Uncertain significance for Hereditary breast ovarian cancer syndrome. Last evaluated: 2023-11-10. Review status: criteria provided, single submitter. Criteria: Invitae Variant Classification Sherloc (09022015). Collection method: clinical testing. Allele origin: germline.
Comment: This sequence change replaces tyrosine, which is neutral and polar, with histidine, which is basic and polar, at codon 2511 of the BRCA2 protein (p.Tyr2511His). This variant is not present in population databases (gnomAD no frequency). This variant has not been reported in the literature in individuals affected with BRCA2-related conditions. ClinVar contains an entry for this variant (Variation ID: 1687634). Advanced modeling of protein sequence and biophysical properties (such as structural, functional, and spatial information, amino acid conservation, physicochemical variation, residue mobility, and thermodynamic stability) performed at Invitae indicates that this missense variant is not expected to disrupt BRCA2 protein function with a negative predictive value of 95%. In summary, the available evidence is currently insufficient to determine the role of this variant in disease. Therefore, it has been classified as a Variant of Uncertain Significance.

GeneDx
Classification: Uncertain significance. Last evaluated: 2022-05-24. Review status: criteria provided, single submitter. Criteria: GeneDx Variant Classification Process June 2021. Collection method: clinical testing. Allele origin: germline. Affected: yes.
Comment: Not observed at significant frequency in large population cohorts (gnomAD); In silico analysis supports that this missense variant does not alter protein structure/function; Has not been previously published as pathogenic or benign to our knowledge; Also known as 7759T>C; This variant is associated with the following publications: (PMID: 31131967, 12228710)

NM_000059.4(BRCA2):c.7531T>C (p.Tyr2511His)

Gene: BRCA2 (BRCA2 DNA repair associated; plus strand). Cytogenetic location: 13q13.1.
Variant type: single nucleotide variant.
Coding change: c.7531T>C on transcript NM_000059.4 (MANE Select); coding-DNA position 7531, T replaced by C.
Protein change: p.Tyr2511His; replaces tyrosine 2511 with histidine.
Molecular consequence: missense variant.
Genome position (GRCh38, 1-based): chr13:32,356,523, T>C. VCF-style: chr13-32356523-T-C. GRCh37 (hg19) VCF-style: chr13-32930660-T-C.
Other names: short protein forms Y2511H.
Identifiers: ClinVar variation 1687634 (VCV001687634.6), dbSNP rs2137562655, ClinGen allele CA387743586.